The following is an entry in ClinVar:

NM_000152.5(GAA):c.1231C>T (p.Arg411Trp)

Gene: GAA (alpha glucosidase; plus strand). Cytogenetic location: 17q25.3.
Variant type: single nucleotide variant.
Coding change: c.1231C>T on transcript NM_000152.5 (MANE Select); coding-DNA position 1231, C replaced by T.
Protein change: p.Arg411Trp; replaces arginine 411 with tryptophan.
Molecular consequence: missense variant.
Genome position (GRCh38, 1-based): chr17:80,108,733, C>T. VCF-style: chr17-80108733-C-T. GRCh37 (hg19) VCF-style: chr17-78082532-C-T.
Other names: c.1231C>T, p.Arg411Trp (NM_001079803.3, NM_001079804.3); short protein forms R411W.
Identifiers: ClinVar variation 991138 (VCV000991138.4), dbSNP rs772730706, ClinGen allele CA8815240.

ClinVar aggregate classification (germline): Uncertain significance. Review status: criteria provided, multiple submitters, no conflicts (2 of 4 stars). 3 submissions from 3 submitters: Uncertain significance (2). 1 of the submissions does not count toward it. Last evaluated 2022-05-04.

Conditions:
Glycogen storage disease, type II (IOPD). Also called: Glycogen storage disease type 2; Acid maltase deficiency disease; Aglucosidase alfa; Deficiency of alpha-glucosidase; Deficiency of lysosomal alpha-glucosidase; Pompe Disease. Identifiers: Orphanet 365, MedGen C0017921, MONDO:0009290, OMIM 232300.

Allele frequency attached by ClinVar (database versions not stated): ExAC 0.00001; gnomAD 0.00001; gnomAD exomes 0.00001; TOPMed 0.00001.
gnomAD v4.1: 12 of 1,612,290 alleles (0.00074%); highest among the groups gnomAD compares: East Asian, 0.0022%; no homozygotes.

Submissions (3):

Labcorp Genetics (formerly Invitae), Labcorp
Classification: Uncertain significance for Glycogen storage disease, type II. Last evaluated: 2022-05-04. Review status: criteria provided, single submitter. Criteria: Invitae Variant Classification Sherloc (09022015). Collection method: clinical testing. Allele origin: germline.
Comment: This sequence change replaces arginine, which is basic and polar, with tryptophan, which is neutral and slightly polar, at codon 411 of the GAA protein (p.Arg411Trp). The frequency data for this variant in the population databases is considered unreliable, as metrics indicate poor data quality at this position in the gnomAD database. This variant has not been reported in the literature in individuals affected with GAA-related conditions. ClinVar contains an entry for this variant (Variation ID: 991138). Algorithms developed to predict the effect of missense changes on protein structure and function are either unavailable or do not agree on the potential impact of this missense change (SIFT: "Deleterious"; PolyPhen-2: "Benign"; Align-GVGD: "Class C0"). In summary, the available evidence is currently insufficient to determine the role of this variant in disease. Therefore, it has been classified as a Variant of Uncertain Significance.

Fulgent Genetics
Classification: Uncertain significance for Glycogen storage disease, type II. Last evaluated: 2021-11-09. Review status: criteria provided, single submitter. Criteria: ACMG Guidelines, 2015. Collection method: clinical testing. Allele origin: unknown.

Natera, Inc.
Classification: Uncertain significance for Glycogen storage disease type II. Last evaluated: 2020-09-04. Review status: no assertion criteria provided. Collection method: clinical testing. Allele origin: germline. Not counted in ClinVar's aggregate classification.